The following is an entry in ClinVar:

ClinVar aggregate classification (germline): Uncertain significance (1 of 4 stars; one submission).

Conditions:
DICER1-related tumor predisposition. Also called: DICER1 syndrome; DICER1-related pleuropulmonary blastoma cancer predisposition syndrome. Identifiers: Orphanet 284343, MedGen C3839822, MONDO:0100216.

Submission:

Labcorp Genetics (formerly Invitae), Labcorp
Classification: Uncertain significance for DICER1-related tumor predisposition. Last evaluated: 2024-04-29. Review status: criteria provided, single submitter. Criteria: Invitae Variant Classification Sherloc (09022015). Collection method: clinical testing. Allele origin: germline.
Comment: This sequence change replaces leucine, which is neutral and non-polar, with tryptophan, which is neutral and slightly polar, at codon 1156 of the DICER1 protein (p.Leu1156Trp). This variant is not present in population databases (gnomAD no frequency). This variant has not been reported in the literature in individuals affected with DICER1-related conditions. ClinVar contains an entry for this variant (Variation ID: 1721514). Advanced modeling of protein sequence and biophysical properties (such as structural, functional, and spatial information, amino acid conservation, physicochemical variation, residue mobility, and thermodynamic stability) performed at Invitae indicates that this missense variant is expected to disrupt DICER1 protein function with a positive predictive value of 80%. In summary, the available evidence is currently insufficient to determine the role of this variant in disease. Therefore, it has been classified as a Variant of Uncertain Significance.

NM_177438.3(DICER1):c.3467T>G (p.Leu1156Trp)

Gene: DICER1 (dicer 1, ribonuclease III; minus strand). Cytogenetic location: 14q32.13.
Variant type: single nucleotide variant.
Coding change: c.3467T>G on transcript NM_177438.3 (MANE Select); coding-DNA position 3467, T replaced by G.
Protein change: p.Leu1156Trp; replaces leucine 1156 with tryptophan.
Molecular consequence: missense variant. On other transcripts: non-coding transcript variant (6).
Genome position (GRCh38, 1-based): chr14:95,103,929, A>C on the plus strand (T>G on the coding strand, the complement: DICER1 is on the minus strand). VCF-style: chr14-95103929-A-C. GRCh37 (hg19) VCF-style: chr14-95570266-A-C.
Other names: c.3467T>G, p.Leu1156Trp (NM_001195573.1, NM_001271282.3, NM_001291628.2 and 13 more transcripts); c.3185T>G, p.Leu1062Trp (NM_001395686.1); c.3062T>G, p.Leu1021Trp (NM_001395687.1, NM_001395688.1, NM_001395689.1 and 2 more transcripts); c.2900T>G, p.Leu967Trp (NM_001395691.1); c.1784T>G, p.Leu595Trp (NM_001395697.1); short protein forms L1021W, L1062W, L1156W, L595W, L967W.
Identifiers: ClinVar variation 1721514 (VCV001721514.6), dbSNP rs2542712808, ClinGen allele CA390875311.